The following is an entry in ClinVar:

ClinVar aggregate classification (germline): Benign/Likely benign. Review status: criteria provided, multiple submitters, no conflicts (2 of 4 stars). 5 submissions from 5 submitters: Benign (1); Likely benign (4). Last evaluated 2025-12-10.

Conditions:
Hereditary cancer-predisposing syndrome. Also called: Tumor predisposition; Hereditary neoplastic syndrome; Hereditary Cancer Syndrome; Neoplastic Syndromes, Hereditary. Identifiers: Orphanet 140162, MedGen C0027672, MeSH D009386, MONDO:0015356.
Tuberous sclerosis syndrome (TSC). Also called: Tuberous Sclerosis Complex; Tuberous sclerosis. Identifiers: Orphanet 805, MedGen C0041341, MONDO:0001734.
Tuberous sclerosis 2 (TSC2). Identifiers: Orphanet 805, MedGen C1860707, MONDO:0013199, OMIM 613254.

Allele frequency attached by ClinVar (database versions not stated): gnomAD exomes 0.00001; TOPMed 0.00002.
gnomAD v4.1: 18 of 1,550,982 alleles (0.0012%); highest among the groups gnomAD compares: East Asian, 0.0024%; no homozygotes.

Submissions (5):

Labcorp Genetics (formerly Invitae), Labcorp
Classification: Likely benign for Tuberous sclerosis 2. Last evaluated: 2025-12-10. Review status: criteria provided, single submitter. Criteria: Invitae Variant Classification Sherloc (09022015). Collection method: clinical testing. Allele origin: germline.

Color Diagnostics, LLC DBA Color Health
Classification: Likely benign for Tuberous sclerosis syndrome. Last evaluated: 2025-08-24. Review status: criteria provided, single submitter. Criteria: ACMG Guidelines, 2015. Collection method: clinical testing. Allele origin: germline.

Myriad Genetics, Inc.
Classification: Benign for Tuberous sclerosis 2. Last evaluated: 2025-05-14. Review status: criteria provided, single submitter. Criteria: Myriad Autosomal Dominant, Autosomal Recessive and X-Linked Classification Criteria (2023). Collection method: clinical testing. Allele origin: unknown.
Comment: This variant is considered benign. This variant is a silent/synonymous amino acid change and it is not expected to impact splicing.

CeGaT Center for Human Genetics Tuebingen
Classification: Likely benign. Last evaluated: 2023-11-01. Review status: criteria provided, single submitter. Criteria: CeGaT Center For Human Genetics Tuebingen Variant Classification Criteria Version 2. Collection method: clinical testing. Allele origin: germline. Affected: yes. Observed: 2 variant alleles.
Comment: TSC2: BP4, BP7

Ambry Genetics
Classification: Likely benign for Hereditary cancer-predisposing syndrome. Last evaluated: 2020-09-23. Review status: criteria provided, single submitter. Criteria: Ambry Variant Classification Scheme 2023. Collection method: clinical testing. Allele origin: germline.

NM_000548.5(TSC2):c.1380C>T (p.Ala460=)

Gene: TSC2 (TSC complex subunit 2; plus strand). Cytogenetic location: 16p13.3.
Variant type: single nucleotide variant.
Coding change: c.1380C>T on transcript NM_000548.5 (MANE Select); coding-DNA position 1380, C replaced by T.
Protein change: p.Ala460=; no amino-acid change (alanine 460 retained).
Molecular consequence: synonymous variant.
Genome position (GRCh38, 1-based): chr16:2,062,990, C>T. VCF-style: chr16-2062990-C-T. GRCh37 (hg19) VCF-style: chr16-2112991-C-T.
Other names: c.1380C>T, p.Ala460= (NM_001077183.3, NM_001114382.3, NM_001363528.2 and 3 more transcripts); c.1269C>T, p.Ala423= (NM_001318827.2); c.1233C>T, p.Ala411= (NM_001318829.2); c.780C>T, p.Ala260= (NM_001318831.2); c.1413C>T, p.Ala471= (NM_001318832.2).
Identifiers: ClinVar variation 413723 (VCV000413723.40), dbSNP rs1060504113, ClinGen allele CA16614656.
Genomic context (GRCh38, chr16:2,062,990, plus strand): 5'-CCGGGCACTCCCCACCCGCCCCAGCAGGCTGCCGTCCCGCAGGAGCGAGTCCCGAGGCGC[C>T]GTGCGCATCAAGGTGCTGGACGTGCTGTCCTTTGTGCTGCTCATCAACAGGCAGTTCTAT-3'
Protein context (NP_000539.2, residues 450-470): ERFFRSESRG[Ala460=]VRIKVLDVLS